The following is an entry in ClinVar:

ClinVar aggregate classification (germline): Pathogenic (1 of 4 stars; one submission).

Conditions:
Neurofibromatosis, type 1 (NF1). Also called: NEUROFIBROMATOSIS, TYPE I, SOMATIC; VON RECKLINGHAUSEN DISEASE; Neurofibromatosis, type I; Peripheral type neurofibromatosis. Identifiers: Orphanet 636, MedGen C0027831, MONDO:0018975, OMIM 162200. Disease mechanism: loss of function.

Submission:

Labcorp Genetics (formerly Invitae), Labcorp
Classification: Pathogenic for Neurofibromatosis, type 1. Last evaluated: 2018-12-24. Review status: criteria provided, single submitter. Criteria: Invitae Variant Classification Sherloc (09022015). Collection method: clinical testing. Allele origin: germline.
Comment: For these reasons, this variant has been classified as Pathogenic. Loss-of-function variants in NF1 are known to be pathogenic (PMID: 10712197, 23913538). This variant has not been reported in the literature in individuals with NF1-related conditions. This variant is not present in population databases (ExAC no frequency). This sequence change creates a premature translational stop signal (p.Ala264Glnfs*17) in the NF1 gene. It is expected to result in an absent or disrupted protein product.

Literature cited by the submitters: PubMed 10712197; PubMed 23913538.

NM_001042492.3(NF1):c.790del (p.Ala264fs)

Gene: NF1 (neurofibromin 1; plus strand). Cytogenetic location: 17q11.2.
Variant type: Deletion.
Coding change: c.790del on transcript NM_001042492.3 (MANE Select); coding-DNA position 790, one base deleted (G; older notation c.790delG).
Protein change: p.Ala264fs; shifts the reading frame from alanine 264.
Molecular consequence: frameshift variant.
Genome position (GRCh38, 1-based): chr17:31,182,567, G deleted. VCF-style (leftmost placement, unchanged base first): chr17-31182566-AG-A. GRCh37 (hg19) VCF-style: chr17-29509584-AG-A.
Other names: c.790delG, p.Ala264Glnfs (NM_000267.4); c.790del, p.Ala264fs (NM_001128147.3); short protein forms A264fs.
Identifiers: ClinVar variation 646450 (VCV000646450.5), dbSNP rs1597659893, ClinGen allele CA915949771.